The following is an entry in ClinVar:

NM_032043.3(BRIP1):c.1936del

Gene: BRIP1 (BRCA1 interacting DNA helicase 1; minus strand). Cytogenetic location: 17q23.2.
Variant type: Deletion.
Coding change: c.1936del on transcript NM_032043.3 (MANE Select); coding-DNA position 1936, one base deleted (G; older notation c.1936delG).
Molecular consequence: splice acceptor variant.
Genome position (GRCh38, 1-based): chr17:61,776,562, C deleted on the plus strand (G on the coding strand, the reverse complement: BRIP1 is on the minus strand); the first of 2 consecutive C bases (chr17:61,776,562-61,776,563); deleting either gives the same sequence. VCF-style (leftmost placement, unchanged base first): chr17-61776561-AC-A. GRCh37 (hg19) VCF-style: chr17-59853922-AC-A.
Other names: c.1936del (NM_032043.2).
Identifiers: ClinVar variation 628730 (VCV000628730.15), dbSNP rs1567809140, ClinGen allele CA913187800.

ClinVar aggregate classification (germline): Pathogenic. Review status: criteria provided, multiple submitters, no conflicts (2 of 4 stars). 4 submissions from 4 submitters: Pathogenic (4). Last evaluated 2023-06-05.

Conditions:
Familial cancer of breast. Also called: BREAST CANCER, FAMILIAL; Hereditary breast cancer; hereditary breast carcinoma. Identifiers: Orphanet 227535, MedGen C0346153, MONDO:0016419, OMIM 114480. Disease mechanism: loss of function.
Hereditary cancer-predisposing syndrome. Also called: Tumor predisposition; Neoplastic Syndromes, Hereditary; Hereditary Cancer Syndrome; Hereditary neoplastic syndrome. Identifiers: Orphanet 140162, MedGen C0027672, MeSH D009386, MONDO:0015356.
Fanconi anemia complementation group J. Also called: BRIP1-Related Fanconi Anemia. Identifiers: Orphanet 84, MedGen C1836860, MONDO:0012187, OMIM 609054.

Submissions (4):

Myriad Genetics, Inc.
Classification: Pathogenic for Familial cancer of breast. Last evaluated: 2023-06-05. Review status: criteria provided, single submitter. Criteria: Myriad Autosomal Dominant, Autosomal Recessive and X-Linked Classification Criteria (2023). Collection method: clinical testing. Allele origin: unknown.
Comment: This variant is considered pathogenic. This variant creates a frameshift predicted to result in premature protein truncation.

Ambry Genetics
Classification: Pathogenic for Hereditary cancer-predisposing syndrome. Last evaluated: 2023-04-26. Review status: criteria provided, single submitter. Criteria: Ambry Variant Classification Scheme 2023. Collection method: clinical testing. Allele origin: germline.
Comment: The c.1936delG variant, located in coding exon 13 of the BRIP1 gene, results from a deletion of one nucleotide at nucleotide position 1936, causing a translational frameshift with a predicted alternate stop codon (p.V646Ffs*42). This alteration is expected to result in loss of function by premature protein truncation or nonsense-mediated mRNA decay. As such, this alteration is interpreted as a disease-causing mutation.

Color Diagnostics, LLC DBA Color Health
Classification: Pathogenic for Hereditary cancer-predisposing syndrome. Last evaluated: 2022-01-10. Review status: criteria provided, single submitter. Criteria: ACMG Guidelines, 2015. Collection method: clinical testing. Allele origin: germline.
Comment: This variant is a 1 nucleotide deletion located in exon 14 of the BRIP1 gene, creating a frameshift and premature translation stop signal. This variant is expected to result in an absent or non-functional protein product. This variant has not been reported in individuals affected with hereditary cancer in the literature. This variant has not been identified in the general population by the Genome Aggregation Database (gnomAD). Loss of BRIP1 function is a known mechanism of disease. Based on the available evidence, this variant is classified as Pathogenic.

Labcorp Genetics (formerly Invitae), Labcorp
Classification: Pathogenic for Familial cancer of breast; Fanconi anemia complementation group J. Last evaluated: 2021-12-01. Review status: criteria provided, single submitter. Criteria: Invitae Variant Classification Sherloc (09022015). Collection method: clinical testing. Allele origin: germline.
Comment: Algorithms developed to predict the effect of sequence changes on RNA splicing suggest that this variant may disrupt the consensus splice site. ClinVar contains an entry for this variant (Variation ID: 628730). This variant has not been reported in the literature in individuals affected with BRIP1-related conditions. This variant is not present in population databases (gnomAD no frequency). This sequence change creates a premature translational stop signal (p.Val646Phefs*42) in the BRIP1 gene. It is expected to result in an absent or disrupted protein product. Loss-of-function variants in BRIP1 are known to be pathogenic (PMID: 16116423, 17033622, 21964575). For these reasons, this variant has been classified as Pathogenic.

Literature cited by the submitters: PubMed 16116423 (cited by Labcorp Genetics (formerly Invitae), Labcorp); PubMed 17033622 (cited by Labcorp Genetics (formerly Invitae), Labcorp); PubMed 21964575 (cited by Labcorp Genetics (formerly Invitae), Labcorp).